The following is an entry in ClinVar:

NM_000355.4(TCN2):c.270C>T (p.Ser90=)

Gene: TCN2 (transcobalamin 2; plus strand). Cytogenetic location: 22q12.2.
Variant type: single nucleotide variant.
Coding change: c.270C>T on transcript NM_000355.4 (MANE Select); coding-DNA position 270, C replaced by T.
Protein change: p.Ser90=; no amino-acid change (serine 90 retained).
Molecular consequence: synonymous variant.
Genome position (GRCh38, 1-based): chr22:30,612,885, C>T. VCF-style: chr22-30612885-C-T. GRCh37 (hg19) VCF-style: chr22-31008872-C-T.
Other names: c.270C>T (NM_000355.3); c.270C>T, p.Ser90= (NM_001184726.2).
Identifiers: ClinVar variation 1044231 (VCV001044231.7), dbSNP rs775251694, ClinGen allele CA10184567.
Genomic context (GRCh38, chr22:30,612,885, plus strand): 5'-TTACGGGGTGGCAGTTTCTCACAAAGGCATTAACTGGCCTTGTCCTAGGTCTGCCTTCAG[C>T]GAGGATGACGGTGACTGCCAGGGCAAGCCTTCCATGGGCCAGCTGGCCCTCTACCTGCTC-3'
Protein context (NP_000346.2, residues 80-100): YQQCLLGSAF[Ser90=]EDDGDCQGKP

ClinVar aggregate classification (germline): Likely benign (1 of 4 stars; one submission).

Conditions:
Transcobalamin II deficiency (TCN2D). Also called: TC II DEFICIENCY; TCN2 DEFICIENCY; Transcolabamin II deficiency. Identifiers: Orphanet 859, MedGen C0342701, MONDO:0010149, OMIM 275350.

Allele frequency attached by ClinVar (database versions not stated): ExAC 0.00001; gnomAD 0.00001; gnomAD exomes 0.00001.
gnomAD v4.1: 13 of 1,613,628 alleles (0.00081%); highest among the groups gnomAD compares: East Asian, 0.0067%; no homozygotes.

Submission:

Labcorp Genetics (formerly Invitae), Labcorp
Classification: Likely benign for Transcobalamin II deficiency. Last evaluated: 2024-04-17. Review status: criteria provided, single submitter. Criteria: Invitae Variant Classification Sherloc (09022015). Collection method: clinical testing. Allele origin: germline.